The following is an entry in ClinVar:

ClinVar aggregate classification (germline): Uncertain significance (1 of 4 stars; one submission).

Submission:

Ambry Genetics
Classification: Uncertain significance. Last evaluated: 2026-01-20. Review status: criteria provided, single submitter. Criteria: Ambry Variant Classification Scheme 2023. Collection method: clinical testing. Allele origin: germline.
Comment: The p.K1839T variant (also known as c.5516A>C), located in coding exon 22 of the WNK2 gene, results from an A to C substitution at nucleotide position 5516. The lysine at codon 1839 is replaced by threonine, an amino acid with similar properties. This amino acid position is conserved. In addition, this alteration is predicted to be tolerated by in silico analysis. Based on the available evidence, the clinical significance of this variant remains unclear.

NM_006648.4(WNK2):c.5516A>C (p.Lys1839Thr)

Gene: WNK2 (WNK lysine deficient protein kinase 2; plus strand). Cytogenetic location: 9q22.31.
Variant type: single nucleotide variant.
Coding change: c.5516A>C on transcript NM_006648.4 (MANE Select); coding-DNA position 5516, A replaced by C.
Protein change: p.Lys1839Thr; replaces lysine 1839 with threonine.
Molecular consequence: missense variant.
Genome position (GRCh38, 1-based): chr9:93,292,981, A>C. VCF-style: chr9-93292981-A-C. GRCh37 (hg19) VCF-style: chr9-96055263-A-C.
Other names: c.5627A>C, p.Lys1876Thr (NM_001282394.3); short protein forms K1839T, K1876T.
Identifiers: ClinVar variation 4844868 (VCV004844868.1).